The following is an entry in ClinVar:

NM_000455.5(STK11):c.464+7G>A

Gene: STK11 (serine/threonine kinase 11; plus strand). Cytogenetic location: 19p13.3.
Variant type: single nucleotide variant.
Coding change: c.464+7G>A on transcript NM_000455.5 (MANE Select); 7 bases into the intron after coding-DNA position 464, G replaced by A.
Molecular consequence: intron variant.
Genome position (GRCh38, 1-based): chr19:1,219,420, G>A. VCF-style: chr19-1219420-G-A. GRCh37 (hg19) VCF-style: chr19-1219419-G-A.
Identifiers: ClinVar variation 141211 (VCV000141211.4), dbSNP rs587781579, ClinGen allele CA023018.

ClinVar aggregate classification (germline): Likely benign. Review status: criteria provided, multiple submitters, no conflicts (2 of 4 stars). 2 submissions from 2 submitters: Likely benign (2). Last evaluated 2025-03-26.

Conditions:
Hereditary cancer-predisposing syndrome. Also called: Neoplastic Syndromes, Hereditary; Hereditary Cancer Syndrome; Hereditary neoplastic syndrome; Tumor predisposition. Identifiers: Orphanet 140162, MedGen C0027672, MeSH D009386, MONDO:0015356.
Peutz-Jeghers syndrome (PJS). Also called: Peutz-Jeghers polyposis; Periorificial lentiginosis syndrome; POLYPOSIS, HAMARTOMATOUS INTESTINAL; POLYPS-AND-SPOTS SYNDROME. Identifiers: Orphanet 2869, MedGen C0031269, MeSH D010580, MONDO:0008280, OMIM 175200.

Submissions (2):

Myriad Genetics, Inc.
Classification: Likely benign for Peutz-Jeghers syndrome. Last evaluated: 2025-03-26. Review status: criteria provided, single submitter. Criteria: Myriad Autosomal Dominant, Autosomal Recessive and X-Linked Classification Criteria (2023). Collection method: clinical testing. Allele origin: unknown.
Comment: This variant is considered likely benign. This variant is intronic and is not expected to impact mRNA splicing.

Ambry Genetics
Classification: Likely benign for Hereditary cancer-predisposing syndrome. Last evaluated: 2013-12-06. Review status: criteria provided, single submitter. Criteria: Ambry Autosomal Dominant and X-Linked criteria (10/2015). Collection method: clinical testing. Allele origin: germline. Observed: 1 variant allele.